The following is an entry in ClinVar:

NC_000002.11:g.(?_48010367)_(48033796_?)dup

Gene: MSH6 (mutS homolog 6; plus strand). Cytogenetic location: 2p16.3.
Variant type: Duplication.
Identifiers: ClinVar variation 1010222 (VCV001010222.1).

ClinVar aggregate classification (germline): Uncertain significance (1 of 4 stars; one submission).

Conditions:
Hereditary nonpolyposis colorectal neoplasms. Identifiers: MedGen C0009405, MeSH D003123.

Submission:

Labcorp Genetics (formerly Invitae), Labcorp
Classification: Uncertain significance for Hereditary nonpolyposis colorectal neoplasms. Last evaluated: 2016-02-01. Review status: criteria provided, single submitter. Criteria: Invitae Variant Classification Sherloc (09022015). Collection method: clinical testing. Allele origin: germline.
Comment: A gross duplication of the genomic region encompassing the full coding sequence of the MSH6 gene has been identified. The boundaries of this event are unknown as the duplication extends beyond the assayed region for this gene and therefore may encompass additional genes. As the precise location of this duplication is unknown, it may be in tandem or it may be located elsewhere in the genome. This variant has not been reported in the literature in individuals with a MSH6-related disease. In summary, the boundaries of this variant are unknown, and the impact of this duplication on MSH6 protein function has not been established. Therefore, it has been classified as a Variant of Unknown Significance.